The following is an entry in ClinVar:

ClinVar aggregate classification (germline): Likely pathogenic (1 of 4 stars; one submission).

Submission:

Labcorp Genetics (formerly Invitae), Labcorp
Classification: Likely pathogenic. Last evaluated: 2024-12-29. Review status: criteria provided, single submitter. Criteria: Invitae Variant Classification Sherloc (09022015). Collection method: clinical testing. Allele origin: germline.
Comment: This sequence change affects a donor splice site in intron 6 of the LZTR1 gene. It is expected to disrupt RNA splicing. Variants that disrupt the donor or acceptor splice site typically lead to a loss of protein function (PMID: 16199547), and loss-of-function variants in LZTR1 are known to be pathogenic (PMID: 24362817, 25335493, 25480913, 25795793, 29469822, 30368668, 30442762, 30442766, 30481304, 30859559). This variant is not present in population databases (gnomAD no frequency). This variant has not been reported in the literature in individuals affected with LZTR1-related conditions. Algorithms developed to predict the effect of sequence changes on RNA splicing suggest that this variant may disrupt the consensus splice site. In summary, the currently available evidence indicates that the variant is pathogenic, but additional data are needed to prove that conclusively. Therefore, this variant has been classified as Likely Pathogenic.

Literature cited by the submitters: PubMed 16199547; PubMed 24362817; PubMed 25335493; PubMed 25480913; PubMed 25795793; PubMed 29469822; PubMed 30368668; PubMed 30442762; PubMed 30442766; PubMed 30481304; PubMed 30859559.

NM_006767.4(LZTR1):c.593+1G>T

Gene: LZTR1 (leucine zipper like post translational regulator 1; plus strand). Cytogenetic location: 22q11.21.
Variant type: single nucleotide variant.
Coding change: c.593+1G>T on transcript NM_006767.4 (MANE Select); the canonical splice donor site of the intron after coding-DNA position 593, G replaced by T.
Molecular consequence: splice donor variant.
Genome position (GRCh38, 1-based): chr22:20,988,873, G>T. VCF-style: chr22-20988873-G-T. GRCh37 (hg19) VCF-style: chr22-21343162-G-T.
Identifiers: ClinVar variation 3728210 (VCV003728210.2).